The following is an entry in ClinVar:

ClinVar aggregate classification (germline): Uncertain significance. Review status: criteria provided, multiple submitters, no conflicts (2 of 4 stars). 2 submissions from 2 submitters: Uncertain significance (2). Last evaluated 2025-02-19.

Allele frequency attached by ClinVar (database versions not stated): 1000 Genomes Project 30x 0.00031; TOPMed below 0.00001; gnomAD 0.00001; 1000 Genomes Project 0.00020.

Submissions (2):

Ambry Genetics
Classification: Uncertain significance. Last evaluated: 2025-02-19. Review status: criteria provided, single submitter. Criteria: Ambry Variant Classification Scheme 2023. Collection method: clinical testing. Allele origin: germline.

Labcorp Genetics (formerly Invitae), Labcorp
Classification: Uncertain significance. Last evaluated: 2023-10-23. Review status: criteria provided, single submitter. Criteria: Invitae Variant Classification Sherloc (09022015). Collection method: clinical testing. Allele origin: germline.
Comment: This sequence change replaces arginine, which is basic and polar, with serine, which is neutral and polar, at codon 408 of the MAP3K8 protein (p.Arg408Ser). This variant is not present in population databases (gnomAD no frequency). This variant has not been reported in the literature in individuals affected with MAP3K8-related conditions. An algorithm developed to predict the effect of missense changes on protein structure and function (PolyPhen-2) suggests that this variant is likely to be tolerated. In summary, the available evidence is currently insufficient to determine the role of this variant in disease. Therefore, it has been classified as a Variant of Uncertain Significance.

NM_005204.4(MAP3K8):c.1222C>A (p.Arg408Ser)

Gene: MAP3K8 (mitogen-activated protein kinase kinase kinase 8; plus strand). Cytogenetic location: 10p11.23.
Variant type: single nucleotide variant.
Coding change: c.1222C>A on transcript NM_005204.4 (MANE Select); coding-DNA position 1222, C replaced by A.
Protein change: p.Arg408Ser; replaces arginine 408 with serine.
Molecular consequence: missense variant.
Genome position (GRCh38, 1-based): chr10:30,459,450, C>A. VCF-style: chr10-30459450-C-A. GRCh37 (hg19) VCF-style: chr10-30748379-C-A.
Other names: c.1222C>A, p.Arg408Ser (NM_001244134.1, NM_001320961.2); c.1222C>A (NM_005204.3); short protein forms R408S.
Identifiers: ClinVar variation 2799006 (VCV002799006.4), dbSNP rs200350013, ClinGen allele CA205304332.